The following is an entry in ClinVar:

ClinVar aggregate classification (germline): Uncertain significance (1 of 4 stars; one submission).

Submission:

GeneDx
Classification: Uncertain significance. Last evaluated: 2024-10-13. Review status: criteria provided, single submitter. Criteria: GeneDx Variant Classification Process June 2021. Collection method: clinical testing. Allele origin: germline. Affected: yes.
Comment: Not observed at significant frequency in large population cohorts (gnomAD); In silico analysis supports that this missense variant has a deleterious effect on protein structure/function; Has not been previously published as pathogenic or benign to our knowledge

NM_012398.3(PIP5K1C):c.257G>A (p.Gly86Asp)

Gene: PIP5K1C (phosphatidylinositol-4-phosphate 5-kinase type 1 gamma; minus strand). Cytogenetic location: 19p13.3.
Variant type: single nucleotide variant.
Coding change: c.257G>A on transcript NM_012398.3 (MANE Select); coding-DNA position 257, G replaced by A.
Protein change: p.Gly86Asp; replaces glycine 86 with aspartic acid.
Molecular consequence: missense variant.
Genome position (GRCh38, 1-based): chr19:3,661,964, C>T on the plus strand (G>A on the coding strand, the complement: PIP5K1C is on the minus strand). VCF-style: chr19-3661964-C-T. GRCh37 (hg19) VCF-style: chr19-3661962-C-T.
Other names: c.257G>A, p.Gly86Asp (NM_001195733.2, NM_001300849.2); short protein forms G86D.
Identifiers: ClinVar variation 3781136 (VCV003781136.1).